The following is an entry in ClinVar:

NM_006939.4(SOS2):c.2989A>G (p.Ser997Gly)

Gene: SOS2 (SOS Ras/Rho guanine nucleotide exchange factor 2; minus strand). Cytogenetic location: 14q21.3.
Variant type: single nucleotide variant.
Coding change: c.2989A>G on transcript NM_006939.4 (MANE Select); coding-DNA position 2989, A replaced by G.
Protein change: p.Ser997Gly; replaces serine 997 with glycine.
Molecular consequence: missense variant.
Genome position (GRCh38, 1-based): chr14:50,134,209, T>C on the plus strand (A>G on the coding strand, the complement: SOS2 is on the minus strand). VCF-style: chr14-50134209-T-C. GRCh37 (hg19) VCF-style: chr14-50600927-T-C.
Other names: c.2890A>G, p.Ser964Gly (NM_001411020.1); short protein forms S964G, S997G.
Identifiers: ClinVar variation 2810664 (VCV002810664.3), dbSNP rs2502850944, ClinGen allele CA389641854.
Genomic context (GRCh38, chr14:50,134,209, plus strand): 5'-GAGGTTCAATTTCTAGTGACTTGTTGAACAAATAATCTGTAAACTCTTTTTCAGATGCAC[T>C]TCCCATGGGGTTAAGGTTTTCAAAGAATCTCTGGAATTAAACAAATAACACAAGTGCATA-3'
Protein context (NP_008870.2, residues 987-1007): RFFENLNPMG[Ser997Gly]ASEKEFTDYL

ClinVar aggregate classification (germline): Uncertain significance (1 of 4 stars; one submission).

Conditions:
Noonan syndrome 9 (NS9). Identifiers: Orphanet 648, MedGen C4225282, MONDO:0014691, OMIM 616559.

Allele frequency attached by ClinVar (database versions not stated): gnomAD exomes below 0.00001.
gnomAD v4.1: 1 of 1,601,328 alleles (0.000062%); highest among the groups gnomAD compares: Non-Finnish European, 0.000086%; no homozygotes.

Submission:

Labcorp Genetics (formerly Invitae), Labcorp
Classification: Uncertain significance for Noonan syndrome 9. Last evaluated: 2022-10-30. Review status: criteria provided, single submitter. Criteria: Invitae Variant Classification Sherloc (09022015). Collection method: clinical testing. Allele origin: germline.
Comment: In summary, the available evidence is currently insufficient to determine the role of this variant in disease. Therefore, it has been classified as a Variant of Uncertain Significance. Advanced modeling of protein sequence and biophysical properties (such as structural, functional, and spatial information, amino acid conservation, physicochemical variation, residue mobility, and thermodynamic stability) performed at Invitae indicates that this missense variant is not expected to disrupt SOS2 protein function. This variant has not been reported in the literature in individuals affected with SOS2-related conditions. This variant is not present in population databases (gnomAD no frequency). This sequence change replaces serine, which is neutral and polar, with glycine, which is neutral and non-polar, at codon 997 of the SOS2 protein (p.Ser997Gly).